The following is an entry in ClinVar:

ClinVar aggregate classification (germline): Pathogenic (1 of 4 stars; one submission).

Conditions:
Duchenne muscular dystrophy (DMD). Also called: MUSCULAR DYSTROPHY, PSEUDOHYPERTROPHIC PROGRESSIVE, DUCHENNE TYPE; Duchenne Muscular Dystrophy (DMD). Identifiers: Orphanet 98896, MedGen C0013264, MONDO:0010679, OMIM 310200.

Submission:

Labcorp Genetics (formerly Invitae), Labcorp
Classification: Pathogenic for Duchenne muscular dystrophy. Last evaluated: 2025-10-02. Review status: criteria provided, single submitter. Criteria: Invitae Variant Classification Sherloc (09022015). Collection method: clinical testing. Allele origin: germline.
Comment: This sequence change creates a premature translational stop signal (p.Ile2303*) in the DMD gene. It is expected to result in an absent or disrupted protein product. Loss-of-function variants in DMD are known to be pathogenic (PMID: 16770791, 25007885). This variant is not present in population databases (gnomAD no frequency). This variant has not been reported in the literature in individuals affected with DMD-related conditions. ClinVar contains an entry for this variant (Variation ID: 2755360). For these reasons, this variant has been classified as Pathogenic.

Literature cited by the submitters: PubMed 16770791; PubMed 25007885.

NM_004006.3(DMD):c.6907del (p.Trp2302_Ile2303insTer)

Gene: DMD (dystrophin; minus strand). Cytogenetic location: Xp21.1.
Variant type: Deletion.
Coding change: c.6907del on transcript NM_004006.3 (MANE Select); coding-DNA position 6907, one base deleted (A; older notation c.6907delA).
Protein change: p.Trp2302_Ile2303insTer.
Molecular consequence: nonsense. On other transcripts: 5 prime UTR variant (5).
Genome position (GRCh38, 1-based): chrX:31,929,601, T deleted on the plus strand (A on the coding strand, the reverse complement: DMD is on the minus strand). VCF-style (leftmost placement, unchanged base first): chrX-31929600-AT-A. GRCh37 (hg19) VCF-style: chrX-31947717-AT-A.
Other names: c.6883del, p.Trp2294_Ile2295insTer (NM_000109.4); c.6895del, p.Trp2298_Ile2299insTer (NM_004009.3); c.6538del, p.Trp2179_Ile2180insTer (NM_004010.3); c.2884del, p.Trp961_Ile962insTer (NM_004011.4); c.2875del, p.Trp958_Ile959insTer (NM_004012.4); c.-474del (NM_004013.3, NM_004020.4, NM_004021.3 and 2 more transcripts).
Identifiers: ClinVar variation 2755360 (VCV002755360.3), dbSNP rs2533415616, ClinGen allele CA2697552941.
Genomic context (GRCh38, chrX:31,929,600, plus strand): 5'-ATACAAATACTTGCAACATTTAACACATGTGACGGAAGAGATGGTTAATGTCTAACCTTT[AT>A]CCACTGGAGATTTGTCTGCTTGAGCTTATTTTCAAGTTTATCTTGCTCTTCTGGGCTTAT-3'